The following is an entry in ClinVar:

NM_024422.6(DSC2):c.14G>T (p.Arg5Leu)

Genes: DSC2 (desmocollin 2; minus strand), DSCAS (DSC1/DSC2 antisense RNA; plus strand). Cytogenetic location: 18q12.1.
Variant type: single nucleotide variant.
Coding change: c.14G>T on transcript NM_024422.6 (MANE Select); coding-DNA position 14, G replaced by T.
Protein change: p.Arg5Leu; replaces arginine 5 with leucine.
Molecular consequence: missense variant.
Genome position (GRCh38, 1-based): chr18:31,101,958, C>A on the plus strand (G>T on the coding strand, the complement: DSC2 is on the minus strand). VCF-style: chr18-31101958-C-A. GRCh37 (hg19) VCF-style: chr18-28681921-C-A.
Other names: p.Arg5Leu; c.14G>T, p.Arg5Leu (NM_004949.5); c.14G>T (NM_024422.4); short protein forms R5L.
Identifiers: ClinVar variation 891405 (VCV000891405.18), dbSNP rs899009158, ClinGen allele CA297652484.

ClinVar aggregate classification (germline): Uncertain significance. Review status: criteria provided, multiple submitters, no conflicts (2 of 4 stars). 8 submissions from 8 submitters: Uncertain significance (8). Last evaluated 2025-08-03.

Conditions:
Cardiovascular phenotype. Identifiers: MedGen CN230736.
Familial isolated arrhythmogenic right ventricular dysplasia. Identifiers: Orphanet 217656, MedGen C4274968, MONDO:0016342.
Cardiomyopathy (CMYO). Also called: Cardiomyopathies. Identifiers: Orphanet 167848, MedGen C0878544, MONDO:0004994, HP:0001638. Inheritance: Various modes of inheritance.
Arrhythmogenic right ventricular dysplasia 11. Also called: Arrhythmogenic Right Ventricular Dysplasia/Cardiomyopathy11; Arrhythmogenic right ventricular dysplasia 11 with mild palmoplantar keratoderma and woolly hair; ARRHYTHMOGENIC RIGHT VENTRICULAR DYSPLASIA, FAMILIAL, 11. Identifiers: MedGen C1864850, MONDO:0012506, OMIM 610476.

Allele frequency attached by ClinVar (database versions not stated): gnomAD exomes below 0.00001 and 0.00001.
gnomAD v4.1: 6 of 1,525,936 alleles (0.00039%); highest among the groups gnomAD compares: East Asian, 0.0025%; no homozygotes.

Submissions (8):

Labcorp Genetics (formerly Invitae), Labcorp
Classification: Uncertain significance for Arrhythmogenic right ventricular dysplasia 11. Last evaluated: 2025-08-03. Review status: criteria provided, single submitter. Criteria: Invitae Variant Classification Sherloc (09022015). Collection method: clinical testing. Allele origin: germline.
Comment: This sequence change replaces arginine, which is basic and polar, with leucine, which is neutral and non-polar, at codon 5 of the DSC2 protein (p.Arg5Leu). The frequency data for this variant in the population databases is considered unreliable, as metrics indicate poor data quality at this position in the gnomAD database. This variant has not been reported in the literature in individuals affected with DSC2-related conditions. ClinVar contains an entry for this variant (Variation ID: 891405). An algorithm developed to predict the effect of missense changes on protein structure and function (PolyPhen-2) suggests that this variant is likely to be tolerated. In summary, the available evidence is currently insufficient to determine the role of this variant in disease. Therefore, it has been classified as a Variant of Uncertain Significance.

Blueprint Genetics
Classification: Uncertain significance. Last evaluated: 2024-09-06. Review status: criteria provided, single submitter. Criteria: ACMG Guidelines, 2015. Collection method: clinical testing. Allele origin: germline.

Color Diagnostics, LLC DBA Color Health
Classification: Uncertain significance for Cardiomyopathy. Last evaluated: 2024-03-06. Review status: criteria provided, single submitter. Criteria: ACMG Guidelines, 2015. Collection method: clinical testing. Allele origin: germline.
Comment: This missense variant replaces arginine with leucine at codon 5 of the DSC2 protein. Computational prediction suggests that this variant may not impact protein structure and function (internally defined REVEL score threshold <= 0.5, PMID: 27666373). To our knowledge, functional studies have not been reported for this variant. This variant has not been reported in individuals affected with cardiovascular disorders in the literature. This variant has been identified in 1/120154 chromosomes in the general population by the Genome Aggregation Database (gnomAD). The available evidence is insufficient to determine the role of this variant in disease conclusively. Therefore, this variant is classified as a Variant of Uncertain Significance.

All of Us Research Program, National Institutes of Health
Classification: Uncertain significance for Familial isolated arrhythmogenic right ventricular dysplasia. Last evaluated: 2023-12-13. Review status: criteria provided, single submitter. Criteria: ACMG Guidelines, 2015. Collection method: clinical testing. Allele origin: germline. Inheritance: Autosomal dominant inheritance. Observed: 3 variant alleles, 3 heterozygotes.
Comment: This missense variant replaces arginine with leucine at codon 5 of the DSC2 protein. Computational prediction suggests that this variant may not impact protein structure and function (internally defined REVEL score threshold <= 0.5, PMID: 27666373). To our knowledge, functional studies have not been reported for this variant. This variant has not been reported in individuals affected with cardiovascular disorders in the literature. This variant has been identified in 1/120154 chromosomes in the general population by the Genome Aggregation Database (gnomAD). The available evidence is insufficient to determine the role of this variant in disease conclusively. Therefore, this variant is classified as a Variant of Uncertain Significance.

This study involves interpretation of variants in research participants for the purpose of population health screening. Participant phenotype was not available at the time of variant classification. Additional details can be found in publication PMID: 35346344, PMCID: PMC8962531

Ambry Genetics
Classification: Uncertain significance for Cardiovascular phenotype. Last evaluated: 2022-08-14. Review status: criteria provided, single submitter. Criteria: Ambry Variant Classification Scheme 2023. Collection method: clinical testing. Allele origin: germline.
Comment: The p.R5L variant (also known as c.14G>T), located in coding exon 1 of the DSC2 gene, results from a G to T substitution at nucleotide position 14. The arginine at codon 5 is replaced by leucine, an amino acid with dissimilar properties. This amino acid position is conserved. In addition, this alteration is predicted to be tolerated by in silico analysis. Since supporting evidence is limited at this time, the clinical significance of this alteration remains unclear.

Fulgent Genetics
Classification: Uncertain significance for Arrhythmogenic right ventricular dysplasia 11. Last evaluated: 2022-02-17. Review status: criteria provided, single submitter. Criteria: ACMG Guidelines, 2015. Collection method: clinical testing. Allele origin: unknown.

Clinical Genomics Laboratory, Stanford Medicine
Classification: Uncertain significance for Arrhythmogenic right ventricular dysplasia 11. Last evaluated: 2021-07-21. Review status: criteria provided, single submitter. Criteria: ACMG Guidelines, 2015. Collection method: clinical testing. Allele origin: germline. Affected: yes. Observed: 1 heterozygote.
Comment: The p.Arg5Leu variant in the DSC2gene has not been previously reported in association with disease. This variant has been identified in 1/21,118 South Asian chromosomes by the Genome Aggregation Database. Computational tools predict that this variant does not impact protein function; however, the accuracy of in silicoalgorithms is limited. These data were assessed using the ACMG/AMP variant interpretation guidelines. In summary, the significance of the p.Arg5Leu variant is uncertain. Additional information is needed to resolve the significance of this variant. [ACMG evidence codes used: PM2; BP4]

Illumina Laboratory Services, Illumina
Classification: Uncertain significance for Arrhythmogenic right ventricular dysplasia 11. Last evaluated: 2017-04-28. Review status: criteria provided, single submitter. Criteria: ICSL Variant Classification Criteria 13 December 2019. Collection method: clinical testing. Allele origin: germline.